The following is an entry in ClinVar:

ClinVar aggregate classification (germline): Uncertain significance (1 of 4 stars; one submission).

Conditions:
Cranioectodermal dysplasia 2 (CED2). Identifiers: Orphanet 1515, MedGen C3150874, MONDO:0013323, OMIM 613610.
Short-rib thoracic dysplasia 7 with or without polydactyly (SRTD7). Also called: Short rib polydactyly syndrome 5; SHORT-RIB THORACIC DYSPLASIA 7 WITH POLYDACTYLY. Identifiers: Orphanet 498497, Orphanet 93271, MedGen C3279792, MONDO:0013569, OMIM 614091.

Submission:

Labcorp Genetics (formerly Invitae), Labcorp
Classification: Uncertain significance for Cranioectodermal dysplasia 2; Short-rib thoracic dysplasia 7 with or without polydactyly. Last evaluated: 2020-08-03. Review status: criteria provided, single submitter. Criteria: Invitae Variant Classification Sherloc (09022015). Collection method: clinical testing. Allele origin: germline.
Comment: In summary, the available evidence is currently insufficient to determine the role of this variant in disease. Therefore, it has been classified as a Variant of Uncertain Significance. Algorithms developed to predict the effect of missense changes on protein structure and function are either unavailable or do not agree on the potential impact of this missense change (SIFT: "Tolerated"; PolyPhen-2: "Probably Damaging"; Align-GVGD: "Class C0"). This variant has not been reported in the literature in individuals with WDR35-related conditions. This variant is not present in population databases (ExAC no frequency). This sequence change replaces glutamine with lysine at codon 717 of the WDR35 protein (p.Gln717Lys). The glutamine residue is moderately conserved and there is a small physicochemical difference between glutamine and lysine.

NM_020779.4(WDR35):c.2116C>A (p.Gln706Lys)

Gene: WDR35 (WD repeat domain 35; minus strand). Cytogenetic location: 2p24.1.
Variant type: single nucleotide variant.
Coding change: c.2116C>A on transcript NM_020779.4 (MANE Select); coding-DNA position 2116, C replaced by A.
Protein change: p.Gln706Lys; replaces glutamine 706 with lysine.
Molecular consequence: missense variant.
Genome position (GRCh38, 1-based): chr2:19,937,894, G>T on the plus strand (C>A on the coding strand, the complement: WDR35 is on the minus strand). VCF-style: chr2-19937894-G-T. GRCh37 (hg19) VCF-style: chr2-20137655-G-T.
Other names: c.2149C>A, p.Gln717Lys (NM_001006657.2); short protein forms Q706K, Q717K.
Identifiers: ClinVar variation 1051768 (VCV001051768.9), dbSNP rs2103405475, ClinGen allele CA345943800.